The following is an entry in ClinVar:

NM_020549.5(CHAT):c.1360A>G (p.Thr454Ala)

Gene: CHAT (choline O-acetyltransferase; plus strand). Cytogenetic location: 10q11.23.
Variant type: single nucleotide variant.
Coding change: c.1360A>G on transcript NM_020549.5 (MANE Select); coding-DNA position 1360, A replaced by G.
Protein change: p.Thr454Ala; replaces threonine 454 with alanine.
Molecular consequence: missense variant.
Genome position (GRCh38, 1-based): chr10:49,648,585, A>G. VCF-style: chr10-49648585-A-G. GRCh37 (hg19) VCF-style: chr10-50856631-A-G.
Other names: c.1006A>G, p.Thr336Ala (NM_001142929.2, NM_001142934.2, NM_020984.4 and 2 more transcripts); c.1114A>G, p.Thr372Ala (NM_001142933.2); short protein forms T336A, T454A, T372A.
Identifiers: ClinVar variation 1512138 (VCV001512138.4), dbSNP rs745938985, ClinGen allele CA5497461.

ClinVar aggregate classification (germline): Uncertain significance (1 of 4 stars; one submission).

Conditions:
Familial infantile myasthenia (CMS6). Also called: Congenital myasthenic syndrome type 6; MYASTHENIC SYNDROME, PRESYNAPTIC, CONGENITAL, ASSOCIATED WITH EPISODIC APNEA; MYASTHENIC SYNDROME, CONGENITAL, 6, PRESYNAPTIC. Identifiers: Orphanet 590, MedGen C0393929, MONDO:0009689, OMIM 254210.

Allele frequency attached by ClinVar (database versions not stated): gnomAD exomes below 0.00001; ExAC 0.00001; gnomAD 0.00001.
gnomAD v4.1: 4 of 1,613,178 alleles (0.00025%); highest among the groups gnomAD compares: Admixed American, 0.0017%; no homozygotes.

Submission:

Labcorp Genetics (formerly Invitae), Labcorp
Classification: Uncertain significance for Familial infantile myasthenia. Last evaluated: 2022-07-25. Review status: criteria provided, single submitter. Criteria: Invitae Variant Classification Sherloc (09022015). Collection method: clinical testing. Allele origin: germline.
Comment: In summary, the available evidence is currently insufficient to determine the role of this variant in disease. Therefore, it has been classified as a Variant of Uncertain Significance. Advanced modeling of protein sequence and biophysical properties (such as structural, functional, and spatial information, amino acid conservation, physicochemical variation, residue mobility, and thermodynamic stability) performed at Invitae indicates that this missense variant is not expected to disrupt CHAT protein function. ClinVar contains an entry for this variant (Variation ID: 1512138). This variant has not been reported in the literature in individuals affected with CHAT-related conditions. The frequency data for this variant in the population databases is considered unreliable, as metrics indicate poor data quality at this position in the gnomAD database. This sequence change replaces threonine, which is neutral and polar, with alanine, which is neutral and non-polar, at codon 454 of the CHAT protein (p.Thr454Ala).